The following is an entry in ClinVar:

ClinVar aggregate classification (germline): Uncertain significance (1 of 4 stars; one submission).

Conditions:
Familial focal epilepsy with variable foci (FPEVF). Identifiers: Orphanet 98820, MedGen C1858477, MONDO:0020310.

Submission:

Labcorp Genetics (formerly Invitae), Labcorp
Classification: Uncertain significance for Familial focal epilepsy with variable foci. Last evaluated: 2023-11-17. Review status: criteria provided, single submitter. Criteria: Invitae Variant Classification Sherloc (09022015). Collection method: clinical testing. Allele origin: germline.
Comment: This sequence change replaces phenylalanine, which is neutral and non-polar, with serine, which is neutral and polar, at codon 1142 of the DEPDC5 protein (p.Phe1142Ser). This variant is not present in population databases (gnomAD no frequency). This variant has not been reported in the literature in individuals affected with DEPDC5-related conditions. ClinVar contains an entry for this variant (Variation ID: 936264). Experimental studies and prediction algorithms are not available or were not evaluated, and the functional significance of this variant is currently unknown. In summary, the available evidence is currently insufficient to determine the role of this variant in disease. Therefore, it has been classified as a Variant of Uncertain Significance.

NM_001242896.3(DEPDC5):c.3425T>C (p.Phe1142Ser)

Gene: DEPDC5 (DEP domain containing 5, GATOR1 subcomplex subunit; plus strand). Cytogenetic location: 22q12.3.
Variant type: single nucleotide variant.
Coding change: c.3425T>C on transcript NM_001242896.3 (MANE Select); coding-DNA position 3425, T replaced by C.
Protein change: p.Phe1142Ser; replaces phenylalanine 1142 with serine.
Molecular consequence: missense variant. On other transcripts: non-coding transcript variant (5).
Genome position (GRCh38, 1-based): chr22:31,870,684, T>C. VCF-style: chr22-31870684-T-C. GRCh37 (hg19) VCF-style: chr22-32266670-T-C.
Other names: c.3398T>C, p.Phe1133Ser (NM_001136029.4); c.3125T>C, p.Phe1042Ser (NM_001242897.2); c.3359T>C, p.Phe1120Ser (NM_001363852.2, NM_001364320.2); c.3191T>C, p.Phe1064Ser (NM_001363854.2, NM_001364319.2); c.3425T>C, p.Phe1142Ser (NM_001364318.2); c.3341T>C, p.Phe1114Ser (NM_001369901.1, NM_001369902.1); c.3332T>C, p.Phe1111Ser (NM_001369903.1, NM_014662.6); short protein forms F1064S, F1114S, F1120S, F1142S, F1042S, F1111S, F1133S.
Identifiers: ClinVar variation 936264 (VCV000936264.9), dbSNP rs2092816186, ClinGen allele CA411296730.
Genomic context (GRCh38, chr22:31,870,684, plus strand): 5'-ACGGCACCAGTTTGGGCATATGCACAGGCCAATCCATGGACAGAGGCAACAGCCAGACCT[T>C]TGGGAACTCCCAGAACATAGGAGAACAGGGCTACTCCTCCACAAACTCCAGTGACAGCAG-3'
Protein context (NP_001229825.1, residues 1132-1152): QSMDRGNSQT[Phe1142Ser]GNSQNIGEQG